The following is an entry in ClinVar:

NM_012250.6(RRAS2):c.196+9A>G

Gene: RRAS2 (RAS related 2; minus strand). Cytogenetic location: 11p15.2.
Variant type: single nucleotide variant.
Coding change: c.196+9A>G on transcript NM_012250.6 (MANE Select); 9 bases into the intron after coding-DNA position 196, A replaced by G.
Molecular consequence: intron variant.
Genome position (GRCh38, 1-based): chr11:14,295,759, T>C on the plus strand (A>G on the coding strand, the complement: RRAS2 is on the minus strand). VCF-style: chr11-14295759-T-C. GRCh37 (hg19) VCF-style: chr11-14317305-T-C.
Other names: c.91+9A>G (NM_001177314.2); c.196+9A>G (NM_001440708.1); c.-36+9A>G (NM_001102669.3, NM_001440711.1, NM_001440715.1 and 6 more transcripts).
Identifiers: ClinVar variation 2719598 (VCV002719598.3), dbSNP rs368177668, ClinGen allele CA5894350.

ClinVar aggregate classification (germline): Uncertain significance (1 of 4 stars; one submission).

Allele frequency attached by ClinVar (database versions not stated): ExAC 0.00002; gnomAD exomes 0.00002; ESP Exome Variant Server 0.00008; TOPMed 0.00008; gnomAD 0.00009.
gnomAD v4.1: 37 of 1,588,524 alleles (0.0023%); highest among the groups gnomAD compares: African/African-American, 0.024%; no homozygotes.

Submission:

Labcorp Genetics (formerly Invitae), Labcorp
Classification: Uncertain significance. Last evaluated: 2023-08-14. Review status: criteria provided, single submitter. Criteria: Invitae Variant Classification Sherloc (09022015). Collection method: clinical testing. Allele origin: germline.
Comment: In summary, the available evidence is currently insufficient to determine the role of this variant in disease. Therefore, it has been classified as a Variant of Uncertain Significance. This sequence change falls in intron 2 of the RRAS2 gene. It does not directly change the encoded amino acid sequence of the RRAS2 protein. This variant is present in population databases (rs368177668, gnomAD 0.03%). This variant has not been reported in the literature in individuals affected with RRAS2-related conditions. Algorithms developed to predict the effect of sequence changes on RNA splicing suggest that this variant may create or strengthen a splice site.